The following is an entry in ClinVar:

ClinVar aggregate classification (germline): Uncertain significance (1 of 4 stars; one submission).

Conditions:
Smith-Lemli-Opitz syndrome (SLOS). Also called: RUTLEDGE LETHAL MULTIPLE CONGENITAL ANOMALY SYNDROME; 7-Dehydrocholesterol reductase deficiency; LETHAL ACRODYSGENITAL SYNDROME; POLYDACTYLY, SEX REVERSAL, RENAL HYPOPLASIA, AND UNILOBAR LUNG; RSH SYNDROME. Identifiers: Orphanet 818, MedGen C0175694, MONDO:0010035, OMIM 270400.

Submission:

Labcorp Genetics (formerly Invitae), Labcorp
Classification: Uncertain significance for Smith-Lemli-Opitz syndrome. Last evaluated: 2022-08-12. Review status: criteria provided, single submitter. Criteria: Invitae Variant Classification Sherloc (09022015). Collection method: clinical testing. Allele origin: germline.
Comment: This sequence change replaces threonine, which is neutral and polar, with serine, which is neutral and polar, at codon 193 of the DHCR7 protein (p.Thr193Ser). This variant is not present in population databases (gnomAD no frequency). This variant has not been reported in the literature in individuals affected with DHCR7-related conditions. Algorithms developed to predict the effect of missense changes on protein structure and function (SIFT, PolyPhen-2, Align-GVGD) all suggest that this variant is likely to be tolerated. In summary, the available evidence is currently insufficient to determine the role of this variant in disease. Therefore, it has been classified as a Variant of Uncertain Significance.

NM_001360.3(DHCR7):c.578C>G (p.Thr193Ser)

Gene: DHCR7 (7-dehydrocholesterol reductase; minus strand). Cytogenetic location: 11q13.4.
Variant type: single nucleotide variant.
Coding change: c.578C>G on transcript NM_001360.3 (MANE Select); coding-DNA position 578, C replaced by G.
Protein change: p.Thr193Ser; replaces threonine 193 with serine.
Molecular consequence: missense variant.
Genome position (GRCh38, 1-based): chr11:71,441,275, G>C on the plus strand (C>G on the coding strand, the complement: DHCR7 is on the minus strand). VCF-style: chr11-71441275-G-C. GRCh37 (hg19) VCF-style: chr11-71152321-G-C.
Other names: c.578C>G, p.Thr193Ser (NM_001163817.2); short protein forms T193S.
Identifiers: ClinVar variation 1716228 (VCV001716228.3), dbSNP rs2539227631, ClinGen allele CA381694387.